The following is an entry in ClinVar:

ClinVar aggregate classification (germline): Conflicting classifications of pathogenicity. Review status: criteria provided, conflicting classifications (1 of 4 stars). 2 submissions from 2 submitters: Uncertain significance (1); Likely benign (1). Last evaluated 2024-06-18.

Conditions:
Juvenile polyposis syndrome (JPS). Identifiers: Orphanet 2929, MedGen C0345893, MONDO:0017380, OMIM 174900.
Hereditary cancer-predisposing syndrome. Also called: Hereditary Cancer Syndrome; Hereditary neoplastic syndrome; Neoplastic Syndromes, Hereditary; Tumor predisposition. Identifiers: Orphanet 140162, MedGen C0027672, MeSH D009386, MONDO:0015356.

gnomAD v4.1: 8 of 1,613,912 alleles (0.0005%); highest among the groups gnomAD compares: Non-Finnish European, 0.00068%; no homozygotes.

Submissions (2):

Color Diagnostics, LLC DBA Color Health
Classification: Likely benign for Hereditary cancer-predisposing syndrome. Last evaluated: 2024-06-18. Review status: criteria provided, single submitter. Criteria: ACMG Guidelines, 2015. Collection method: clinical testing. Allele origin: germline.

All of Us Research Program, National Institutes of Health
Classification: Uncertain significance for Juvenile polyposis syndrome. Last evaluated: 2024-03-14. Review status: criteria provided, single submitter. Criteria: ACMG Guidelines, 2015. Collection method: clinical testing. Allele origin: germline. Inheritance: Autosomal dominant inheritance. Observed: 1 variant allele, 1 heterozygote.
Comment: This variant causes a C to A nucleotide substitution at the -8 position of intron 11 of the BMPR1A gene. To our knowledge, functional studies have not been reported for this variant. This variant has not been reported in individuals affected with BMPR1A-related disorders in the literature. This variant has been identified in 1/251464 chromosomes in the general population by the Genome Aggregation Database (gnomAD). The available evidence is insufficient to determine the role of this variant in disease conclusively. Therefore, this variant is classified as a Variant of Uncertain Significance.

This study involves interpretation of variants in research participants for the purpose of population health screening. Participant phenotype was not available at the time of variant classification. Additional details can be found in publication PMID: 35346344, PMCID: PMC8962531

NM_004329.3(BMPR1A):c.1343-8C>A

Gene: BMPR1A (bone morphogenetic protein receptor type 1A; plus strand). Cytogenetic location: 10q23.2.
Variant type: single nucleotide variant.
Coding change: c.1343-8C>A on transcript NM_004329.3 (MANE Select); 8 bases into the intron before coding-DNA position 1343, C replaced by A.
Molecular consequence: intron variant.
Genome position (GRCh38, 1-based): chr10:86,923,368, C>A. VCF-style: chr10-86923368-C-A. GRCh37 (hg19) VCF-style: chr10-88683125-C-A.
Other names: c.1343-8C>A (NM_001406562.1, NM_001406568.1, NM_001406567.1 and 19 more transcripts); c.1259-8C>A (NM_001406584.1, NM_001406588.1, NM_001406587.1 and 2 more transcripts); c.1391-8C>A (NM_001406560.1); c.1418-8C>A (NM_001406559.1); c.1337-8C>A (NM_001406583.1); c.1001-8C>A (NM_001406589.1).
Identifiers: ClinVar variation 3386037 (VCV003386037.2).
Genomic context (GRCh38, chr10:86,923,368, plus strand): 5'-TGCTTACTAGATTGGTATATCTTGTCCAGCAACCATTTTTGTGCCCATGTTTTCTCATTC[C>A]CTTATAGGGATCGTGGAAGAATACCAATTGCCATATTACAACATGGTACCGAGTGATCCG-3'